The following is an entry in ClinVar:

NM_005612.5(REST):c.2236C>A (p.Gln746Lys)

Gene: REST (RE1 silencing transcription factor; plus strand). Cytogenetic location: 4q12.
Variant type: single nucleotide variant.
Coding change: c.2236C>A on transcript NM_005612.5 (MANE Select); coding-DNA position 2236, C replaced by A.
Protein change: p.Gln746Lys; replaces glutamine 746 with lysine.
Molecular consequence: missense variant.
Genome position (GRCh38, 1-based): chr4:56,931,094, C>A. VCF-style: chr4-56931094-C-A. GRCh37 (hg19) VCF-style: chr4-57797260-C-A.
Other names: c.2236C>A, p.Gln746Lys (NM_001193508.2, NM_001363453.3); short protein forms Q746K.
Identifiers: ClinVar variation 1165025 (VCV001165025.13), dbSNP rs149964103, ClinGen allele CA2932436.

ClinVar aggregate classification (germline): Benign/Likely benign. Review status: criteria provided, multiple submitters, no conflicts (2 of 4 stars). 4 submissions from 4 submitters: Benign (1); Likely benign (2). 1 of the submissions does not count toward it. Last evaluated 2026-01-30.

Conditions:
REST-related disorder. Also called: REST-related condition.

Allele frequency attached by ClinVar (database versions not stated): gnomAD exomes 0.00048 and 0.00077; gnomAD 0.00056 and 0.00077; ExAC 0.00061; TOPMed 0.00110; 1000 Genomes Project 0.00439.

Submissions (4):

Labcorp Genetics (formerly Invitae), Labcorp
Classification: Benign. Last evaluated: 2026-01-30. Review status: criteria provided, single submitter. Criteria: Invitae Variant Classification Sherloc (09022015). Collection method: clinical testing. Allele origin: germline.

Blueprint Genetics
Classification: Likely benign. Last evaluated: 2024-10-15. Review status: criteria provided, single submitter. Criteria: ACMG Guidelines, 2015. Collection method: clinical testing. Allele origin: germline.

GeneDx
Classification: Likely benign. Last evaluated: 2021-05-06. Review status: criteria provided, single submitter. Criteria: GeneDx Variant Classification Process June 2021. Collection method: clinical testing. Allele origin: germline. Affected: yes.
Comment: See Variant Classification Assertion Criteria.

PreventionGenetics, part of Exact Sciences
Classification: Benign for REST-related condition. Last evaluated: 2019-10-28. Review status: no assertion criteria provided. Collection method: clinical testing. Allele origin: germline. Not counted in ClinVar's aggregate classification.
Comment: This variant is classified as benign based on ACMG/AMP sequence variant interpretation guidelines (Richards et al. 2015 PMID: 25741868, with internal and published modifications).